The following is an entry in ClinVar:

ClinVar aggregate classification (germline): Pathogenic (1 of 4 stars; one submission).

Conditions:
3-methylcrotonyl-CoA carboxylase 1 deficiency (MCC1D). Also called: MCC 1 deficiency; 3 Alpha methylcrotonylglycinuria 1; MCCD TYPE 1; METHYLCROTONYLGLYCINURIA TYPE I. Identifiers: Orphanet 6, MedGen CN028786, MONDO:0008861, OMIM 210200.

Submission:

Labcorp Genetics (formerly Invitae), Labcorp
Classification: Pathogenic for 3-methylcrotonyl-CoA carboxylase 1 deficiency. Last evaluated: 2022-07-19. Review status: criteria provided, single submitter. Criteria: Invitae Variant Classification Sherloc (09022015). Collection method: clinical testing. Allele origin: germline.
Comment: For these reasons, this variant has been classified as Pathogenic. This variant has not been reported in the literature in individuals affected with MCCC1-related conditions. This variant is not present in population databases (gnomAD no frequency). This sequence change creates a premature translational stop signal (p.Leu132Serfs*19) in the MCCC1 gene. It is expected to result in an absent or disrupted protein product. Loss-of-function variants in MCCC1 are known to be pathogenic (PMID: 11181649, 15359379, 22642865).

Literature cited by the submitters: PubMed 11181649; PubMed 15359379; PubMed 22642865.

NM_020166.5(MCCC1):c.393del (p.Leu132fs)

Gene: MCCC1 (methylcrotonyl-CoA carboxylase subunit 1; minus strand). Cytogenetic location: 3q27.1.
Variant type: Deletion.
Coding change: c.393del on transcript NM_020166.5 (MANE Select); coding-DNA position 393, one base deleted (T; older notation c.393delT).
Protein change: p.Leu132fs; shifts the reading frame from leucine 132.
Molecular consequence: frameshift variant. On other transcripts: non-coding transcript variant (2), intron variant (1).
Genome position (GRCh38, 1-based): chr3:183,072,464, A deleted on the plus strand (T on the coding strand, the reverse complement: MCCC1 is on the minus strand); the first of 4 consecutive A bases (chr3:183,072,464-183,072,467); deleting any one gives the same sequence. VCF-style (leftmost placement, unchanged base first): chr3-183072463-GA-G. GRCh37 (hg19) VCF-style: chr3-182790251-GA-G.
Other names: c.66del, p.Leu23fs (NM_001363880.1); c.141-1107del (NM_001293273.2); short protein forms L132fs, L23fs.
Identifiers: ClinVar variation 2018112 (VCV002018112.4), dbSNP rs2530372828, ClinGen allele CA2580069130.
Genomic context (GRCh38, chr3:183,072,463, plus strand): 5'-GGCCTATAAAAATAATTCCTTCTTGCTTACAAAGTTCAGCAAATTCCATGTTTTCTGAGA[GA>G]AAACCGCATCCTGGATGGATAGCCTAGAAATGAGAAATAAAATAAAAAATTTACTCATCA-3'